The following is an entry in ClinVar:

NM_014991.6(WDFY3):c.8930G>T (p.Arg2977Leu)

Gene: WDFY3 (WD repeat and FYVE domain containing 3; minus strand). Cytogenetic location: 4q21.23.
Variant type: single nucleotide variant.
Coding change: c.8930G>T on transcript NM_014991.6 (MANE Select); coding-DNA position 8930, G replaced by T.
Protein change: p.Arg2977Leu; replaces arginine 2977 with leucine.
Molecular consequence: missense variant.
Genome position (GRCh38, 1-based): chr4:84,693,004, C>A on the plus strand (G>T on the coding strand, the complement: WDFY3 is on the minus strand). VCF-style: chr4-84693004-C-A. GRCh37 (hg19) VCF-style: chr4-85614157-C-A.
Other names: short protein forms R2977L.
Identifiers: ClinVar variation 3359378 (VCV003359378.1).

ClinVar aggregate classification (germline): Uncertain significance (1 of 4 stars; one submission).

Submission:

GeneDx
Classification: Uncertain significance. Last evaluated: 2023-06-08. Review status: criteria provided, single submitter. Criteria: GeneDx Variant Classification Process June 2021. Collection method: clinical testing. Allele origin: germline. Affected: yes.
Comment: Not observed at significant frequency in large population cohorts (gnomAD); In silico analysis supports that this missense variant has a deleterious effect on protein structure/function; Has not been previously published as pathogenic or benign to our knowledge